The following is an entry in ClinVar:

ClinVar aggregate classification (germline): Uncertain significance. Review status: criteria provided, multiple submitters, no conflicts (2 of 4 stars). 3 submissions from 3 submitters: Uncertain significance (3). Last evaluated 2025-03-18.

Conditions:
Inborn genetic diseases. Identifiers: MedGen C0950123, MeSH D030342.
Lethal multiple pterygium syndrome (LMPS). Identifiers: Orphanet 33108, MedGen C1854678, MONDO:0009668, OMIM 253290.

Allele frequency attached by ClinVar (database versions not stated): gnomAD exomes 0.00001; ExAC 0.00002; gnomAD 0.00003; TOPMed 0.00003; ESP Exome Variant Server 0.00008.
gnomAD v4.1: 9 of 1,614,068 alleles (0.00056%); highest among the groups gnomAD compares: African/African-American, 0.0053%; no homozygotes.

Submissions (3):

Mayo Clinic Laboratories, Mayo Clinic
Classification: Uncertain significance. Last evaluated: 2025-03-18. Review status: criteria provided, single submitter. Criteria: ACMG Guidelines, 2015. Collection method: clinical testing. Allele origin: germline. Observed: 1 variant allele.

Ambry Genetics
Classification: Uncertain significance for Inborn genetic diseases. Last evaluated: 2025-01-27. Review status: criteria provided, single submitter. Criteria: Ambry Variant Classification Scheme 2023. Collection method: clinical testing. Allele origin: germline.

Labcorp Genetics (formerly Invitae), Labcorp
Classification: Uncertain significance for Lethal multiple pterygium syndrome. Last evaluated: 2024-11-24. Review status: criteria provided, single submitter. Criteria: Invitae Variant Classification Sherloc (09022015). Collection method: clinical testing. Allele origin: germline.
Comment: This sequence change replaces threonine, which is neutral and polar, with isoleucine, which is neutral and non-polar, at codon 363 of the CHRNA1 protein (p.Thr363Ile). This variant is present in population databases (rs146771663, gnomAD 0.0009%). This variant has not been reported in the literature in individuals affected with CHRNA1-related conditions. ClinVar contains an entry for this variant (Variation ID: 466175). Invitae Evidence Modeling of protein sequence and biophysical properties (such as structural, functional, and spatial information, amino acid conservation, physicochemical variation, residue mobility, and thermodynamic stability) indicates that this missense variant is not expected to disrupt CHRNA1 protein function with a negative predictive value of 80%. In summary, the available evidence is currently insufficient to determine the role of this variant in disease. Therefore, it has been classified as a Variant of Uncertain Significance.

NM_000079.4(CHRNA1):c.1088C>T (p.Thr363Ile)

Gene: CHRNA1 (cholinergic receptor nicotinic alpha 1 subunit; minus strand). Cytogenetic location: 2q31.1.
Variant type: single nucleotide variant.
Coding change: c.1088C>T on transcript NM_000079.4 (MANE Select); coding-DNA position 1088, C replaced by T.
Protein change: p.Thr363Ile; replaces threonine 363 with isoleucine.
Molecular consequence: missense variant.
Genome position (GRCh38, 1-based): chr2:174,748,734, G>A on the plus strand (C>T on the coding strand, the complement: CHRNA1 is on the minus strand). VCF-style: chr2-174748734-G-A. GRCh37 (hg19) VCF-style: chr2-175613462-G-A.
Other names: p.Thr363Ile; c.1163C>T, p.Thr388Ile (NM_001039523.3); short protein forms T363I, T388I.
Identifiers: ClinVar variation 466175 (VCV000466175.10), dbSNP rs146771663, ClinGen allele CA1974367.